The following is an entry in ClinVar:

ClinVar aggregate classification (germline): Likely pathogenic (1 of 4 stars; one submission).

Submission:

Labcorp Genetics (formerly Invitae), Labcorp
Classification: Likely pathogenic. Last evaluated: 2021-08-16. Review status: criteria provided, single submitter. Criteria: Invitae Variant Classification Sherloc (09022015). Collection method: clinical testing. Allele origin: germline.
Comment: This sequence change affects an acceptor splice site in intron 7 of the F11 gene. It is expected to disrupt RNA splicing. Variants that disrupt the donor or acceptor splice site typically lead to a loss of protein function (PMID: 16199547), and loss-of-function variants in F11 are known to be pathogenic (PMID: 23929304). This variant is not present in population databases (ExAC no frequency). This variant has not been reported in the literature in individuals affected with F11-related conditions. Algorithms developed to predict the effect of sequence changes on RNA splicing suggest that this variant may disrupt the consensus splice site. In summary, the currently available evidence indicates that the variant is pathogenic, but additional data are needed to prove that conclusively. Therefore, this variant has been classified as Likely Pathogenic.

Literature cited by the submitters: PubMed 16199547; PubMed 23929304.

NM_000128.4(F11):c.756-1G>T

Gene: F11 (coagulation factor XI; plus strand). Cytogenetic location: 4q35.2.
Variant type: single nucleotide variant.
Coding change: c.756-1G>T on transcript NM_000128.4 (MANE Select); the canonical splice acceptor site of the intron before coding-DNA position 756, G replaced by T.
Molecular consequence: splice acceptor variant.
Genome position (GRCh38, 1-based): chr4:186,280,011, G>T. VCF-style: chr4-186280011-G-T. GRCh37 (hg19) VCF-style: chr4-187201165-G-T.
Identifiers: ClinVar variation 1517393 (VCV001517393.6), dbSNP rs2126756162, ClinGen allele CA358936872.
Genomic context (GRCh38, chr4:186,280,011, plus strand): 5'-TGTAAAAATGTTTTTATGTGTTTGATATGATATATTTCTACTTCCCTTTTGTTTTTGTTA[G>T]AAATCTTTGTCTCCTTAAAACATCTGAGAGTGGATTGCCCAGTACACGCATTAAAAAGAG-3'